The following is an entry in ClinVar:

NM_015909.4(NBAS):c.379+1G>A

Gene: NBAS (NBAS subunit of NRZ tethering complex; minus strand). Cytogenetic location: 2p24.3.
Variant type: single nucleotide variant.
Coding change: c.379+1G>A on transcript NM_015909.4 (MANE Select); the canonical splice donor site of the intron after coding-DNA position 379, G replaced by A.
Molecular consequence: splice donor variant.
Genome position (GRCh38, 1-based): chr2:15,551,492, C>T on the plus strand (G>A on the coding strand, the complement: NBAS is on the minus strand). VCF-style: chr2-15551492-C-T. GRCh37 (hg19) VCF-style: chr2-15691616-C-T.
Identifiers: ClinVar variation 1472441 (VCV001472441.6), dbSNP rs544319529, ClinGen allele CA42658212.

ClinVar aggregate classification (germline): Likely pathogenic (1 of 4 stars; one submission).

Allele frequency attached by ClinVar (database versions not stated): gnomAD exomes below 0.00001.
gnomAD v4.1: 1 of 1,605,834 alleles (0.000062%); highest among the groups gnomAD compares: Non-Finnish European, 0.000085%; no homozygotes.

Submission:

Labcorp Genetics (formerly Invitae), Labcorp
Classification: Likely pathogenic. Last evaluated: 2021-07-12. Review status: criteria provided, single submitter. Criteria: Invitae Variant Classification Sherloc (09022015). Collection method: clinical testing. Allele origin: germline.
Comment: This sequence change affects a donor splice site in intron 6 of the NBAS gene. It is expected to disrupt RNA splicing. Variants that disrupt the donor or acceptor splice site typically lead to a loss of protein function (PMID: 16199547), and loss-of-function variants in NBAS are known to be pathogenic (PMID: 26073778, 26541327, 27789416, 28031453). Algorithms developed to predict the effect of sequence changes on RNA splicing suggest that this variant may disrupt the consensus splice site. In summary, the currently available evidence indicates that the variant is pathogenic, but additional data are needed to prove that conclusively. Therefore, this variant has been classified as Likely Pathogenic. This variant is not present in population databases (ExAC no frequency). This variant has not been reported in the literature in individuals affected with NBAS-related conditions.

Literature cited by the submitters: PubMed 16199547; PubMed 26073778; PubMed 26541327; PubMed 27789416; PubMed 28031453.